The following is an entry in ClinVar:

NM_004006.3(DMD):c.3309C>T (p.Pro1103=)

Gene: DMD (dystrophin; minus strand). Cytogenetic location: Xp21.1.
Variant type: single nucleotide variant.
Coding change: c.3309C>T on transcript NM_004006.3 (MANE Select); coding-DNA position 3309, C replaced by T.
Protein change: p.Pro1103=; no amino-acid change (proline 1103 retained).
Molecular consequence: synonymous variant.
Genome position (GRCh38, 1-based): chrX:32,463,562, G>A on the plus strand (C>T on the coding strand, the complement: DMD is on the minus strand). VCF-style: chrX-32463562-G-A. GRCh37 (hg19) VCF-style: chrX-32481679-G-A.
Other names: c.3309C>T (NM_004006.2); c.3285C>T, p.Pro1095= (NM_000109.4); c.3297C>T, p.Pro1099= (NM_004009.3); c.2940C>T, p.Pro980= (NM_004010.3).
Identifiers: ClinVar variation 1137189 (VCV001137189.10), dbSNP rs2148419616, ClinGen allele CA515715471.
Genomic context (GRCh38, chrX:32,463,562, plus strand): 5'-AAACTCTGGCTCTGCTTCATTCTTTATCTTCTGCCCACCTTCATTGACACTGTTTAGACT[G>A]GGCTGAATTGTCTGAATATCACTGACTAAAAGCTAAGAAAATAAATCAATTTAAGCCAGC-3'
Protein context (NP_003997.2, residues 1093-1113): LLVSDIQTIQ[Pro1103=]SLNSVNEGGQ

ClinVar aggregate classification (germline): Conflicting classifications of pathogenicity. Review status: criteria provided, conflicting classifications (1 of 4 stars). 2 submissions from 2 submitters: Uncertain significance (1); Likely benign (1). Last evaluated 2026-07-22.

Conditions:
Duchenne muscular dystrophy (DMD). Also called: MUSCULAR DYSTROPHY, PSEUDOHYPERTROPHIC PROGRESSIVE, DUCHENNE TYPE; Duchenne Muscular Dystrophy (DMD). Identifiers: Orphanet 98896, MedGen C0013264, MONDO:0010679, OMIM 310200.
Cardiovascular phenotype. Identifiers: MedGen CN230736.

Submissions (2):

Ambry Genetics
Classification: Uncertain significance for Cardiovascular phenotype. Last evaluated: 2026-07-22. Review status: criteria provided, single submitter. Criteria: Ambry Variant Classification Scheme 2023. Collection method: clinical testing. Allele origin: germline.
Comment: The c.3309C>T variant (also known as p.P1103P), located in coding exon 25 of the DMD gene, results from a C to T substitution at nucleotide position 3309. This nucleotide substitution does not change the amino acid at codon 1103. This nucleotide position is not well conserved in available vertebrate species. In silico splice site analysis for this alteration is inconclusive. Based on the available evidence, the clinical significance of this variant remains unclear.

Labcorp Genetics (formerly Invitae), Labcorp
Classification: Likely benign for Duchenne muscular dystrophy. Last evaluated: 2020-02-27. Review status: criteria provided, single submitter. Criteria: Invitae Variant Classification Sherloc (09022015). Collection method: clinical testing. Allele origin: germline.